The following is an entry in ClinVar:

NM_007137.5(ZNF81):c.638C>A (p.Ala213Glu)

Gene: ZNF81 (zinc finger protein 81; plus strand). Cytogenetic location: Xp11.23.
Variant type: single nucleotide variant.
Coding change: c.638C>A on transcript NM_007137.5 (MANE Select); coding-DNA position 638, C replaced by A.
Protein change: p.Ala213Glu; replaces alanine 213 with glutamic acid.
Molecular consequence: missense variant. On other transcripts: intron variant (2).
Genome position (GRCh38, 1-based): chrX:47,915,284, C>A. VCF-style: chrX-47915284-C-A. GRCh37 (hg19) VCF-style: chrX-47774683-C-A.
Other names: c.638C>A, p.Ala213Glu (NM_001378152.1, NM_001378153.1); c.278-8640C>A (NM_001378154.1); c.278-6024C>A (NM_001378155.1); short protein forms A213E.
Identifiers: ClinVar variation 130858 (VCV000130858.11), dbSNP rs537825, ClinGen allele CA156176.

ClinVar aggregate classification (germline): Benign. Review status: criteria provided, multiple submitters, no conflicts (2 of 4 stars). 3 submissions from 3 submitters: Benign (2). 1 of the submissions does not count toward it. Last evaluated 2014-12-13.

Allele frequency attached by ClinVar (database versions not stated): gnomAD exomes 0.00572 and 0.01524; ExAC 0.01838; 1000 Genomes Project 0.05298; gnomAD 0.05429 and 0.05857; 1000 Genomes Project 30x 0.05557; ESP Exome Variant Server 0.05956; TOPMed 0.06279.
gnomAD v4.1: 12,694 of 1,209,488 alleles (1%); highest among the groups gnomAD compares: African/African-American, 19%; 847 homozygotes.

Submissions (3):

Ambry Genetics
Classification: Benign. Last evaluated: 2014-12-13. Review status: criteria provided, single submitter. Criteria: Ambry Variant Classification Scheme 2023. Collection method: clinical testing. Allele origin: germline.

Breakthrough Genomics
Classification: Benign. Review status: criteria provided, single submitter. Criteria: ACMG Guidelines, 2015. Collection method: not provided. Allele origin: germline. Inheritance: Unknown mechanism. Affected: yes.

Genetic Services Laboratory, University of Chicago
Classification: Likely benign for AllHighlyPenetrant. Review status: no assertion criteria provided. Collection method: clinical testing. Allele origin: germline. Inheritance: X-linked inheritance. Not counted in ClinVar's aggregate classification.
Comment: Likely benign based on allele frequency in 1000 Genomes Project or ESP global frequency and its presence in a patient with a rare or unrelated disease phenotype. NOT Sanger confirmed.